The following is an entry in ClinVar:

ClinVar aggregate classification (germline): Likely benign (1 of 4 stars; one submission).

gnomAD v4.1: 18 of 1,464,458 alleles (0.0012%); highest among the groups gnomAD compares: Admixed American, 0.027%; no homozygotes.

Submission:

Center for Genomic Medicine, Rigshospitalet, Copenhagen University Hospital
Classification: Likely benign. Last evaluated: 2025-12-29. Review status: criteria provided, single submitter. Criteria: ACMG Guidelines, 2015. Collection method: clinical testing. Allele origin: germline.
Comment: Classification criteria: BP4

NM_000143.4(FH):c.378+35C>G

Gene: FH (fumarate hydratase; minus strand). Cytogenetic location: 1q43.
Variant type: single nucleotide variant.
Coding change: c.378+35C>G on transcript NM_000143.4 (MANE Select); 35 bases into the intron after coding-DNA position 378, C replaced by G.
Molecular consequence: intron variant.
Genome position (GRCh38, 1-based): chr1:241,513,568, G>C on the plus strand (C>G on the coding strand, the complement: FH is on the minus strand). VCF-style: chr1-241513568-G-C. GRCh37 (hg19) VCF-style: chr1-241676868-G-C.
Identifiers: ClinVar variation 4539499 (VCV004539499.1).